The following is an entry in ClinVar:

NM_001206999.2(CIT):c.1106G>A (p.Arg369His)

Gene: CIT (citron rho-interacting serine/threonine kinase; minus strand). Cytogenetic location: 12q24.23.
Variant type: single nucleotide variant.
Coding change: c.1106G>A on transcript NM_001206999.2 (MANE Select); coding-DNA position 1106, G replaced by A.
Protein change: p.Arg369His; replaces arginine 369 with histidine.
Molecular consequence: missense variant.
Genome position (GRCh38, 1-based): chr12:119,822,825, C>T on the plus strand (G>A on the coding strand, the complement: CIT is on the minus strand). VCF-style: chr12-119822825-C-T. GRCh37 (hg19) VCF-style: chr12-120260629-C-T.
Other names: c.1106G>A, p.Arg369His (NM_007174.3); short protein forms R369H.
Identifiers: ClinVar variation 1305892 (VCV001305892.4), dbSNP rs200303267, ClinGen allele CA6822209.

ClinVar aggregate classification (germline): Uncertain significance. Review status: criteria provided, multiple submitters, no conflicts (2 of 4 stars). 2 submissions from 2 submitters: Uncertain significance (2). Last evaluated 2021-03-16.

Conditions:
Inborn genetic diseases. Identifiers: MedGen C0950123, MeSH D030342.

Allele frequency attached by ClinVar (database versions not stated): gnomAD 0.00004; TOPMed 0.00004; ESP Exome Variant Server 0.00008.
gnomAD v4.1: 23 of 1,613,892 alleles (0.0014%); highest among the groups gnomAD compares: East Asian, 0.016%; no homozygotes.

Submissions (2):

Ambry Genetics
Classification: Uncertain significance for Inborn genetic diseases. Last evaluated: 2021-03-16. Review status: criteria provided, single submitter. Criteria: Ambry Variant Classification Scheme 2023. Collection method: clinical testing. Allele origin: germline.
Comment: The c.1106G>A (p.R369H) alteration is located in exon 9 (coding exon 8) of the CIT gene. This alteration results from a G to A substitution at nucleotide position 1106, causing the arginine (R) at amino acid position 369 to be replaced by a histidine (H). The p.R369H alteration is predicted to be tolerated by in silico analysis. Based on insufficient or conflicting evidence, the clinical significance of this alteration remains unclear.

GeneDx
Classification: Uncertain significance. Last evaluated: 2019-06-01. Review status: criteria provided, single submitter. Criteria: GeneDx Variant Classification Process June 2021. Collection method: clinical testing. Allele origin: germline. Affected: yes.
Comment: Not observed at a significant frequency in large population cohorts (Lek et al., 2016); In silico analysis, which includes protein predictors and evolutionary conservation, supports that this variant does not alter protein structure/function; Has not been previously published as pathogenic or benign to our knowledge